The following is an entry in ClinVar:

NM_000181.4(GUSB):c.1066-5C>T

Gene: GUSB (glucuronidase beta; minus strand). Cytogenetic location: 7q11.21.
Variant type: single nucleotide variant.
Coding change: c.1066-5C>T on transcript NM_000181.4 (MANE Select); 5 bases into the intron before coding-DNA position 1066, C replaced by T.
Molecular consequence: intron variant.
Genome position (GRCh38, 1-based): chr7:65,974,709, G>A on the plus strand (C>T on the coding strand, the complement: GUSB is on the minus strand). VCF-style: chr7-65974709-G-A. GRCh37 (hg19) VCF-style: chr7-65439696-G-A.
Other names: c.409-5C>T (NM_001293105.2); c.496-5C>T (NM_001293104.2); c.628-5C>T (NM_001284290.2).
Identifiers: ClinVar variation 786391 (VCV000786391.9), dbSNP rs376501876, ClinGen allele CA4276384.

ClinVar aggregate classification (germline): Conflicting classifications of pathogenicity. Review status: criteria provided, conflicting classifications (1 of 4 stars). 2 submissions from 2 submitters: Uncertain significance (1); Likely benign (1). Last evaluated 2024-02-03.

Conditions:
Inborn genetic diseases. Identifiers: MedGen C0950123, MeSH D030342.
Mucopolysaccharidosis type 7 (MPS7). Also called: MPS VII; SLY SYNDROME; BETA-GLUCURONIDASE DEFICIENCY; GUSB DEFICIENCY. Identifiers: Orphanet 584, MedGen C0085132, MONDO:0009662, OMIM 253220.

Allele frequency attached by ClinVar (database versions not stated): gnomAD exomes below 0.00001 and 0.00002; ExAC 0.00002; gnomAD 0.00006; TOPMed 0.00006; ESP Exome Variant Server 0.00008.
gnomAD v4.1: 16 of 1,612,346 alleles (0.00099%); highest among the groups gnomAD compares: African/African-American, 0.021%; no homozygotes.

Submissions (2):

Labcorp Genetics (formerly Invitae), Labcorp
Classification: Likely benign for Mucopolysaccharidosis type 7. Last evaluated: 2024-02-03. Review status: criteria provided, single submitter. Criteria: Invitae Variant Classification Sherloc (09022015). Collection method: clinical testing. Allele origin: germline.

Ambry Genetics
Classification: Uncertain significance for Inborn genetic diseases. Last evaluated: 2020-11-09. Review status: criteria provided, single submitter. Criteria: Ambry Variant Classification Scheme 2023. Collection method: clinical testing. Allele origin: germline.
Comment: The c.1066-5C>T intronic alteration results from a C to T substitution 5 nucleotides before coding exon 7 of the GUSB gene. Based on data from the Genome Aggregation Database (gnomAD) database, the GUSB c.1066-5C>T alteration was observed in <0.01% (6/282678) of total alleles studied, with a frequency of 0.02% (6/24956) in the African subpopulation. This nucleotide position is well conserved in available vertebrate species. In silico splice site analysis predicts that this alteration will not have any significant effect on splicing. Based on insufficient or conflicting evidence, the clinical significance of this alteration remains unclear.